The following is an entry in ClinVar:

NM_012123.4(MTO1):c.448G>C (p.Val150Leu)

Gene: MTO1 (mitochondrial tRNA translation optimization 1; plus strand). Cytogenetic location: 6q13.
Variant type: single nucleotide variant.
Coding change: c.448G>C on transcript NM_012123.4 (MANE Select); coding-DNA position 448, G replaced by C.
Protein change: p.Val150Leu; replaces valine 150 with leucine.
Molecular consequence: missense variant.
Genome position (GRCh38, 1-based): chr6:73,466,519, G>C. VCF-style: chr6-73466519-G-C. GRCh37 (hg19) VCF-style: chr6-74176242-G-C.
Other names: c.448G>C, p.Val150Leu (NM_001123226.2, NM_133645.3); short protein forms V150L.
Identifiers: ClinVar variation 1392167 (VCV001392167.5), dbSNP rs767983065, ClinGen allele CA3889352.

ClinVar aggregate classification (germline): Uncertain significance. Review status: criteria provided, multiple submitters, no conflicts (2 of 4 stars). 2 submissions from 2 submitters: Uncertain significance (2). Last evaluated 2026-03-29.

Conditions:
Mitochondrial hypertrophic cardiomyopathy with lactic acidosis due to MTO1 deficiency. Also called: Combined oxidative phosphorylation deficiency 10; CARDIOMYOPATHY, INFANTILE HYPERTROPHIC MITOCHONDRIAL, AND LACTIC ACIDOSIS. Identifiers: Orphanet 314637, MedGen C4749921, MONDO:0013865, OMIM 614702.

Allele frequency attached by ClinVar (database versions not stated): ExAC 0.00001; gnomAD exomes 0.00001.
gnomAD v4.1: 12 of 1,614,028 alleles (0.00074%); highest among the groups gnomAD compares: South Asian, 0.0099%; no homozygotes.

Submissions (2):

Dasa
Classification: Uncertain significance. Last evaluated: 2026-03-29. Review status: criteria provided, single submitter. Criteria: DASA Assertion Criteria. Collection method: clinical testing. Allele origin: germline.
Comment: NM_012123.4(MTO1):c.448G>C (p.Val150Leu) is a missense variant that results in the substitution of valine with leucine. This variant has been observed in affected individuals with MTO1-related disorders. Also, this variant is rare in population databases. The currently available literature and clinical evidence are not sufficient to establish a definitive association between this variant and the reported condition. Therefore, this variant is classified as a variant of uncertain significance.

Labcorp Genetics (formerly Invitae), Labcorp
Classification: Uncertain significance for Mitochondrial hypertrophic cardiomyopathy with lactic acidosis due to MTO1 deficiency. Last evaluated: 2022-03-18. Review status: criteria provided, single submitter. Criteria: Invitae Variant Classification Sherloc (09022015). Collection method: clinical testing. Allele origin: germline.
Comment: This sequence change replaces valine, which is neutral and non-polar, with leucine, which is neutral and non-polar, at codon 150 of the MTO1 protein (p.Val150Leu). This variant is present in population databases (rs767983065, gnomAD 0.006%). This variant has not been reported in the literature in individuals affected with MTO1-related conditions. Algorithms developed to predict the effect of missense changes on protein structure and function (SIFT, PolyPhen-2, Align-GVGD) all suggest that this variant is likely to be tolerated. In summary, the available evidence is currently insufficient to determine the role of this variant in disease. Therefore, it has been classified as a Variant of Uncertain Significance.